The following is an entry in ClinVar:

ClinVar aggregate classification (germline): Likely pathogenic (1 of 4 stars; one submission).

Submission:

GeneDx
Classification: Likely pathogenic. Last evaluated: 2022-11-11. Review status: criteria provided, single submitter. Criteria: GeneDx Variant Classification Process June 2021. Collection method: clinical testing. Allele origin: germline. Affected: yes.
Comment: Not observed at significant frequency in large population cohorts (gnomAD); In silico analysis supports that this missense variant has a deleterious effect on protein structure/function; Missense variants in this gene are often considered pathogenic (HGMD); Has not been previously published as pathogenic or benign to our knowledge

NM_001040142.2(SCN2A):c.5101G>A (p.Gly1701Ser)

Gene: SCN2A (sodium voltage-gated channel alpha subunit 2; plus strand). Cytogenetic location: 2q24.3.
Variant type: single nucleotide variant.
Coding change: c.5101G>A on transcript NM_001040142.2 (MANE Select); coding-DNA position 5101, G replaced by A.
Protein change: p.Gly1701Ser; replaces glycine 1701 with serine.
Molecular consequence: missense variant.
Genome position (GRCh38, 1-based): chr2:165,388,907, G>A. VCF-style: chr2-165388907-G-A. GRCh37 (hg19) VCF-style: chr2-166245417-G-A.
Other names: c.5101G>A, p.Gly1701Ser (NM_001040143.2, NM_001371246.1, NM_001371247.1 and 1 more transcripts); short protein forms G1701S.
Identifiers: ClinVar variation 2502049 (VCV002502049.1), dbSNP rs2468158264, ClinGen allele CA349038201.